The following is an entry in ClinVar:

NM_000717.5(CA4):c.281T>A (p.Leu94Gln)

Gene: CA4 (carbonic anhydrase 4; plus strand). Cytogenetic location: 17q23.1.
Variant type: single nucleotide variant.
Coding change: c.281T>A on transcript NM_000717.5 (MANE Select); coding-DNA position 281, T replaced by A.
Protein change: p.Leu94Gln; replaces leucine 94 with glutamine.
Molecular consequence: missense variant. On other transcripts: non-coding transcript variant (1).
Genome position (GRCh38, 1-based): chr17:60,157,439, T>A. VCF-style: chr17-60157439-T-A. GRCh37 (hg19) VCF-style: chr17-58234800-T-A.
Other names: short protein forms L94Q.
Identifiers: ClinVar variation 1714745 (VCV001714745.5), dbSNP rs2544519728, ClinGen allele CA400454407.
Genomic context (GRCh38, chr17:60,157,439, plus strand): 5'-AGGCTGAGGGAGGCTGGTTCGAGGACTCTGCCCCTTCTGTGCTCCCAGTGATGATGTTGC[T>A]GGAGAACAAGGCCAGCATTTCTGGAGGAGGACTGCCTGCCCCATACCAGGCCAAACAGTT-3'
Protein context (NP_000708.1, residues 84-104): QNNGHSVMML[Leu94Gln]ENKASISGGG

ClinVar aggregate classification (germline): Uncertain significance (1 of 4 stars; one submission).

Submission:

Labcorp Genetics (formerly Invitae), Labcorp
Classification: Uncertain significance. Last evaluated: 2022-10-17. Review status: criteria provided, single submitter. Criteria: Invitae Variant Classification Sherloc (09022015). Collection method: clinical testing. Allele origin: germline.
Comment: In summary, the available evidence is currently insufficient to determine the role of this variant in disease. Therefore, it has been classified as a Variant of Uncertain Significance. Algorithms developed to predict the effect of sequence changes on RNA splicing suggest that this variant may create or strengthen a splice site. Advanced modeling of protein sequence and biophysical properties (such as structural, functional, and spatial information, amino acid conservation, physicochemical variation, residue mobility, and thermodynamic stability) performed at Invitae indicates that this missense variant is expected to disrupt CA4 protein function. This variant has not been reported in the literature in individuals affected with CA4-related conditions. This variant is not present in population databases (gnomAD no frequency). This sequence change replaces leucine, which is neutral and non-polar, with glutamine, which is neutral and polar, at codon 94 of the CA4 protein (p.Leu94Gln).